The following is an entry in ClinVar:

ClinVar aggregate classification (germline): Uncertain significance (1 of 4 stars; one submission).

Conditions:
Hereditary cancer-predisposing syndrome. Also called: Neoplastic Syndromes, Hereditary; Tumor predisposition; Hereditary neoplastic syndrome; Hereditary Cancer Syndrome. Identifiers: Orphanet 140162, MedGen C0027672, MeSH D009386, MONDO:0015356.

Submission:

Ambry Genetics
Classification: Uncertain significance for Hereditary cancer-predisposing syndrome. Last evaluated: 2026-08-06. Review status: criteria provided, single submitter. Criteria: Ambry Variant Classification Scheme 2023. Collection method: clinical testing. Allele origin: germline.
Comment: The p.I122M variant (also known as c.366A>G), located in coding exon 4 of the BMPR1A gene, results from an A to G substitution at nucleotide position 366. The isoleucine at codon 122 is replaced by methionine, an amino acid with highly similar properties. This amino acid position is conserved. In addition, this alteration is predicted to be deleterious by in silico analysis. Based on the available evidence, the clinical significance of this variant remains unclear.

NM_004329.3(BMPR1A):c.366A>G (p.Ile122Met)

Gene: BMPR1A (bone morphogenetic protein receptor type 1A; plus strand). Cytogenetic location: 10q23.2.
Variant type: single nucleotide variant.
Coding change: c.366A>G on transcript NM_004329.3 (MANE Select); coding-DNA position 366, A replaced by G.
Protein change: p.Ile122Met; replaces isoleucine 122 with methionine.
Molecular consequence: missense variant. On other transcripts: non-coding transcript variant (3), intron variant (1).
Genome position (GRCh38, 1-based): chr10:86,899,826, A>G. VCF-style: chr10-86899826-A-G. GRCh37 (hg19) VCF-style: chr10-88659583-A-G.
Other names: c.366A>G, p.Ile122Met (NM_001406576.1, NM_001406577.1, NM_001406578.1 and 22 more transcripts); c.282A>G, p.Ile94Met (NM_001406584.1, NM_001406585.1, NM_001406586.1 and 2 more transcripts); c.333+7597A>G (NM_001406589.1); short protein forms I122M, I94M.
Identifiers: ClinVar variation 5033040 (VCV005033040.1).